The following is an entry in ClinVar:

ClinVar aggregate classification (germline): Likely benign (0 of 4 stars; one submission).

Conditions:
BSN-related disorder. Also called: BSN-related condition.

Allele frequency attached by ClinVar (database versions not stated): gnomAD exomes 0.00006; ExAC 0.00020; ESP Exome Variant Server 0.00054; 1000 Genomes Project 30x 0.00062; 1000 Genomes Project 0.00080; gnomAD 0.00080; TOPMed 0.00087.
gnomAD v4.1: 218 of 1,613,840 alleles (0.014%); highest among the groups gnomAD compares: African/African-American, 0.25%; no homozygotes.

Submission:

PreventionGenetics, part of Exact Sciences
Classification: Likely benign for BSN-related condition. Last evaluated: 2022-05-20. Review status: no assertion criteria provided. Collection method: clinical testing. Allele origin: germline.
Comment: This variant is classified as likely benign based on ACMG/AMP sequence variant interpretation guidelines (Richards et al. 2015 PMID: 25741868, with internal and published modifications).

NM_003458.4(BSN):c.4142C>T (p.Pro1381Leu)

Gene: BSN (bassoon presynaptic cytomatrix protein; plus strand). Cytogenetic location: 3p21.31.
Variant type: single nucleotide variant.
Coding change: c.4142C>T on transcript NM_003458.4 (MANE Select); coding-DNA position 4142, C replaced by T.
Protein change: p.Pro1381Leu; replaces proline 1381 with leucine.
Molecular consequence: missense variant.
Genome position (GRCh38, 1-based): chr3:49,653,698, C>T. VCF-style: chr3-49653698-C-T. GRCh37 (hg19) VCF-style: chr3-49691131-C-T.
Other names: short protein forms P1381L.
Identifiers: ClinVar variation 3047443 (VCV003047443.2), dbSNP rs145442546, ClinGen allele CA2400079.